The following is an entry in ClinVar:

ClinVar aggregate classification (germline): Conflicting classifications of pathogenicity. Review status: criteria provided, conflicting classifications (1 of 4 stars). 4 submissions from 4 submitters: Uncertain significance (3); Likely benign (1). Last evaluated 2024-10-22.

Conditions:
Nephronophthisis. Also called: Juvenile Nephronophthisis. Identifiers: Orphanet 655, MedGen C0687120, MONDO:0019005, HP:0000090.
Inborn genetic diseases. Identifiers: MedGen C0950123, MeSH D030342.
Nephronophthisis 4 (NPHP4). Also called: NEPHRONOPHTHISIS 4, JUVENILE. Identifiers: Orphanet 655, MedGen C1847013, MONDO:0011752, OMIM 606966.
Senior-Loken syndrome 4 (SLSN4). Identifiers: Orphanet 3156, MedGen C1846979, MONDO:0011756, OMIM 606996.

Allele frequency attached by ClinVar (database versions not stated): gnomAD exomes below 0.00001; gnomAD 0.00002 and 0.00003; TOPMed 0.00002.
gnomAD v4.1: 4 of 1,613,614 alleles (0.00025%); highest among the groups gnomAD compares: African/African-American, 0.0053%; no homozygotes.

Submissions (4):

Labcorp Genetics (formerly Invitae), Labcorp
Classification: Uncertain significance for Nephronophthisis. Last evaluated: 2024-10-22. Review status: criteria provided, single submitter. Criteria: Invitae Variant Classification Sherloc (09022015). Collection method: clinical testing. Allele origin: germline.
Comment: This sequence change replaces glycine, which is neutral and non-polar, with aspartic acid, which is acidic and polar, at codon 838 of the NPHP4 protein (p.Gly838Asp). This variant is present in population databases (no rsID available, gnomAD 0.02%). This variant has not been reported in the literature in individuals affected with NPHP4-related conditions. ClinVar contains an entry for this variant (Variation ID: 596801). Invitae Evidence Modeling of protein sequence and biophysical properties (such as structural, functional, and spatial information, amino acid conservation, physicochemical variation, residue mobility, and thermodynamic stability) indicates that this missense variant is not expected to disrupt NPHP4 protein function with a negative predictive value of 80%. In summary, the available evidence is currently insufficient to determine the role of this variant in disease. Therefore, it has been classified as a Variant of Uncertain Significance.

Ambry Genetics
Classification: Likely benign for Inborn genetic diseases. Last evaluated: 2024-01-02. Review status: criteria provided, single submitter. Criteria: Ambry Variant Classification Scheme 2023. Collection method: clinical testing. Allele origin: germline.

Fulgent Genetics
Classification: Uncertain significance for Nephronophthisis 4; Senior-Loken syndrome 4. Last evaluated: 2021-12-05. Review status: criteria provided, single submitter. Criteria: ACMG Guidelines, 2015. Collection method: clinical testing. Allele origin: unknown.

Eurofins Ntd Llc (ga)
Classification: Uncertain significance. Last evaluated: 2018-04-06. Review status: criteria provided, single submitter. Criteria: EGL ClinVar v180209 classification definitions. Collection method: clinical testing. Allele origin: germline. Observed: 1 variant allele, 1 heterozygote.

NM_015102.5(NPHP4):c.2513G>A (p.Gly838Asp)

Gene: NPHP4 (nephrocystin 4; minus strand). Cytogenetic location: 1p36.31.
Variant type: single nucleotide variant.
Coding change: c.2513G>A on transcript NM_015102.5 (MANE Select); coding-DNA position 2513, G replaced by A.
Protein change: p.Gly838Asp; replaces glycine 838 with aspartic acid.
Molecular consequence: missense variant. On other transcripts: non-coding transcript variant (1).
Genome position (GRCh38, 1-based): chr1:5,880,212, C>T on the plus strand (G>A on the coding strand, the complement: NPHP4 is on the minus strand). VCF-style: chr1-5880212-C-T. GRCh37 (hg19) VCF-style: chr1-5940272-C-T.
Other names: c.2513G>A (NM_015102.3); c.974G>A, p.Gly325Asp (NM_001291593.2); c.977G>A, p.Gly326Asp (NM_001291594.2); short protein forms G838D, G325D, G326D.
Identifiers: ClinVar variation 596801 (VCV000596801.16), dbSNP rs1233207932, ClinGen allele CA338058446.